The following is an entry in ClinVar:

NM_032382.5(COG8):c.317_327dup (p.Ser110fs)

Gene: COG8 (component of oligomeric golgi complex 8; minus strand). Cytogenetic location: 16q22.1.
Variant type: Duplication.
Coding change: c.317_327dup on transcript NM_032382.5 (MANE Select); coding-DNA positions 317 to 327, 11 bases duplicated (ACGTGGAGGCG).
Protein change: p.Ser110fs; shifts the reading frame from serine 110.
Molecular consequence: frameshift variant.
Genome position (GRCh38, 1-based): chr16:69,339,226-69,339,236, CGCCTCCACGT duplicated on the plus strand (ACGTGGAGGCG on the coding strand, the reverse complement: COG8 is on the minus strand); duplicating any 11 consecutive bases within chr16:69,339,226-69,339,240 gives the same sequence; the c. name uses the placement nearest the transcript's 3' end. VCF-style (leftmost placement, unchanged base first): chr16-69339225-A-ACGCCTCCACGT. GRCh37 (hg19) VCF-style: chr16-69373128-A-ACGCCTCCACGT.
Other names: c.317_327dup, p.Ser110fs (NM_001374871.1, NM_001379261.1, NM_001379262.1 and 4 more transcripts); short protein forms S110fs.
Identifiers: ClinVar variation 3767116 (VCV003767116.2).
Genomic context (GRCh38, chr16:69,339,225, plus strand): 5'-GCGCGTCGCACCTGCAGCTCTGCTGGAAGCTGGGCAAACGGTCGAGCAGGCGGCCGAGCG[A>ACGCCTCCACGT]CGCCTCCACGTCGCCAAACAGGCGGTGGATGCGCTCGGTGCACTCGGCGCCGCGGATGAA-3'

ClinVar aggregate classification (germline): Likely pathogenic (1 of 4 stars; one submission).

Conditions:
COG8-congenital disorder of glycosylation. Also called: CDG IIh; COG8-CDG. Identifiers: Orphanet 95428, MedGen C1970021, MONDO:0012635, OMIM 611182.

Submission:

Juno Genomics, Hangzhou Juno Genomics, Inc
Classification: Likely pathogenic for COG8-congenital disorder of glycosylation. Review status: criteria provided, single submitter. Criteria: ACMG Guidelines, 2015. Collection method: clinical testing. Allele origin: germline. Affected: yes.
Comment: Absent from controls (or at extremely low frequency if recessive) in Genome Aggregation Database, Exome Sequencing Project, 1000 Genomes Project, or Exome Aggregation Consortium.;Null variant in a gene where loss of function (LOF) is a known mechanism of disease.